The following is an entry in ClinVar:

NM_032520.5(GNPTG):c.381_382insCCCA (p.Ala128fs)

Gene: GNPTG (N-acetylglucosamine-1-phosphate transferase subunit gamma; plus strand). Cytogenetic location: 16p13.3.
Variant type: Insertion.
Coding change: c.381_382insCCCA on transcript NM_032520.5 (MANE Select); coding-DNA positions 381 to 382, CCCA inserted.
Protein change: p.Ala128fs; shifts the reading frame from alanine 128.
Molecular consequence: frameshift variant.
Genome position: GRCh38 VCF-style: chr16-1362101-C-CCCCA. GRCh37 (hg19) VCF-style: chr16-1412102-C-CCCCA.
Other names: short protein forms A128fs.
Identifiers: ClinVar variation 5016128 (VCV005016128.1).
Genomic context (GRCh38, chr16:1,362,101, plus strand): 5'-CTGGCACGAGTGGGAGATCGCCAACAACACCTTCACGGGCATGTGGATGAGGGACGGTGA[C>CCCCA]GCCTGCCGTTCCCGGAGCCGGCAGAGCAAGGTGGGGCCTCAGACGGGAGCCCGGGAAGAG-3'

ClinVar aggregate classification (germline): Pathogenic (1 of 4 stars; one submission).

Conditions:
GNPTG-mucolipidosis. Also called: ML III GAMMA; ML IIIC; MUCOLIPIDOSIS III, COMPLEMENTATION GROUP C; MUCOLIPIDOSIS III, IRANIAN VARIANT FORM; MUCOLIPIDOSIS III, VARIANT FORM; Mucolipidosis type III gamma. Identifiers: Orphanet 423470, Orphanet 577, MedGen C1854896, MONDO:0009652, OMIM 252605.

Submission:

Myriad Genetics, Inc.
Classification: Pathogenic for GNPTG-mucolipidosis. Last evaluated: 2026-07-14. Review status: criteria provided, single submitter. Criteria: Myriad Autosomal Dominant, Autosomal Recessive and X-Linked Classification Criteria (2023). Collection method: clinical testing. Allele origin: unknown.
Comment: NM_032520.4(GNPTG):c.381_382insCCCA(A128Pfs*72) is expected to be pathogenic in the context of mucolipidosis III gamma. This variant is predicted to lead to an abnormal or absent protein product due to the creation of a premature termination codon in GNPTG, a gene where loss-of-function variants are known to be pathogenic. Please note: this variant was assessed in the context of healthy population screening.